The following is an entry in ClinVar:

NM_000264.5(PTCH1):c.4019G>C (p.Gly1340Ala)

Gene: PTCH1 (patched 1; minus strand). Cytogenetic location: 9q22.32.
Variant type: single nucleotide variant.
Coding change: c.4019G>C on transcript NM_000264.5 (MANE Select); coding-DNA position 4019, G replaced by C.
Protein change: p.Gly1340Ala; replaces glycine 1340 with alanine.
Molecular consequence: missense variant. On other transcripts: non-coding transcript variant (1).
Genome position (GRCh38, 1-based): chr9:95,447,237, C>G on the plus strand (G>C on the coding strand, the complement: PTCH1 is on the minus strand). VCF-style: chr9-95447237-C-G. GRCh37 (hg19) VCF-style: chr9-98209519-C-G.
Other names: c.3566G>C, p.Gly1189Ala (NM_001083604.3, NM_001083605.3, NM_001083606.3 and 1 more transcripts); c.3863G>C, p.Gly1288Ala (NM_001354918.2); c.3821G>C, p.Gly1274Ala (NM_001083602.3); c.4016G>C, p.Gly1339Ala (NM_001083603.3); short protein forms G1189A, G1274A, G1288A, G1339A, G1340A.
Identifiers: ClinVar variation 1719757 (VCV001719757.6), dbSNP rs1218728112, ClinGen allele CA374110461.

ClinVar aggregate classification (germline): Uncertain significance (1 of 4 stars; one submission).

Conditions:
Gorlin syndrome. Also called: Nevoid Basal Cell Carcinoma Syndrome; Basal cell nevus syndrome. Identifiers: Orphanet 377, MedGen C0004779, MONDO:0007187.

Submission:

Labcorp Genetics (formerly Invitae), Labcorp
Classification: Uncertain significance for Gorlin syndrome. Last evaluated: 2022-09-19. Review status: criteria provided, single submitter. Criteria: Invitae Variant Classification Sherloc (09022015). Collection method: clinical testing. Allele origin: germline.
Comment: In summary, the available evidence is currently insufficient to determine the role of this variant in disease. Therefore, it has been classified as a Variant of Uncertain Significance. Advanced modeling of protein sequence and biophysical properties (such as structural, functional, and spatial information, amino acid conservation, physicochemical variation, residue mobility, and thermodynamic stability) performed at Invitae indicates that this missense variant is not expected to disrupt PTCH1 protein function. This variant has not been reported in the literature in individuals affected with PTCH1-related conditions. This variant is not present in population databases (gnomAD no frequency). This sequence change replaces glycine, which is neutral and non-polar, with alanine, which is neutral and non-polar, at codon 1340 of the PTCH1 protein (p.Gly1340Ala).